The following is an entry in ClinVar:

NM_001148.6(ANK2):c.7397G>A (p.Arg2466His)

Genes: ANK2 (ankyrin 2; plus strand), LOC126807137 (CDK7 strongly-dependent group 2 enhancer GRCh37_chr4:114276560-114277759; plus strand). Cytogenetic location: 4q26.
Variant type: single nucleotide variant.
Coding change: c.7397G>A on transcript NM_001148.6 (MANE Select); coding-DNA position 7397, G replaced by A.
Protein change: p.Arg2466His; replaces arginine 2466 with histidine.
Molecular consequence: missense variant. On other transcripts: intron variant (68).
Genome position (GRCh38, 1-based): chr4:113,356,015, G>A. VCF-style: chr4-113356015-G-A. GRCh37 (hg19) VCF-style: chr4-114277171-G-A.
Other names: c.7163G>A, p.Arg2388His (NM_001386142.1); c.3797G>A, p.Arg1266His (NM_001386166.1); c.7538G>A, p.Arg2513His (NM_001386174.1); c.7514G>A, p.Arg2505His (NM_001386175.1); c.4412-4808G>A (NM_001386186.2, NM_001386148.2); c.4214-4808G>A (NM_001354269.3); c.4292-4808G>A (NM_001386187.2); c.4253-4808G>A (NM_001386147.1); and 35 more; short protein forms R2466H, R1266H, R2388H, R2505H, R2513H.
Identifiers: ClinVar variation 180272 (VCV000180272.50), dbSNP rs142078935, ClinGen allele CA236947.

ClinVar aggregate classification (germline): Likely benign. Review status: criteria provided, multiple submitters, no conflicts (2 of 4 stars). 8 submissions from 8 submitters: Likely benign (8). Last evaluated 2025-12-11.

Conditions:
Cardiovascular phenotype. Identifiers: MedGen CN230736.
Cardiac arrhythmia, ankyrin-B-related. Also called: ANKYRIN-B SYNDROME. Identifiers: Orphanet 101016, Orphanet 768, MedGen C1970119, MONDO:0010958, OMIM 600919.
Long QT syndrome (LQTS). Identifiers: MedGen C0023976, MeSH D008133, MONDO:0002442. Disease mechanism: loss of function. Inheritance: Various modes of inheritance.

Allele frequency attached by ClinVar (database versions not stated): TOPMed 0.00023; ESP Exome Variant Server 0.00038; gnomAD exomes 0.00052 and 0.00071; ExAC 0.00077; gnomAD 0.00077 and 0.00081.
gnomAD v4.1: 870 of 1,614,074 alleles (0.054%); highest among the groups gnomAD compares: Non-Finnish European, 0.05%; 4 homozygotes.

Submissions (8):

Labcorp Genetics (formerly Invitae), Labcorp
Classification: Likely benign for Long QT syndrome. Last evaluated: 2025-12-11. Review status: criteria provided, single submitter. Criteria: Invitae Variant Classification Sherloc (09022015). Collection method: clinical testing. Allele origin: germline.

Blueprint Genetics
Classification: Likely benign. Last evaluated: 2024-10-30. Review status: criteria provided, single submitter. Criteria: ACMG Guidelines, 2015. Collection method: clinical testing. Allele origin: germline.

CeGaT Center for Human Genetics Tuebingen
Classification: Likely benign. Last evaluated: 2023-07-01. Review status: criteria provided, single submitter. Criteria: CeGaT Center For Human Genetics Tuebingen Variant Classification Criteria Version 2. Collection method: clinical testing. Allele origin: germline. Affected: yes. Observed: 2 variant alleles.
Comment: ANK2: BP4, BS2

GeneDx
Classification: Likely benign. Last evaluated: 2021-01-29. Review status: criteria provided, single submitter. Criteria: GeneDx Variant Classification Process June 2021. Collection method: clinical testing. Allele origin: germline. Affected: yes.
Comment: This variant is associated with the following publications: (PMID: 23861362, 26164358, 28255936)

ARUP Laboratories, Molecular Genetics and Genomics, ARUP Laboratories
Classification: Likely benign. Last evaluated: 2021-01-04. Review status: criteria provided, single submitter. Criteria: ARUP Molecular Germline Variant Investigation Process 2021. Collection method: clinical testing. Allele origin: germline.

Ambry Genetics
Classification: Likely benign for Cardiovascular phenotype. Last evaluated: 2018-11-15. Review status: criteria provided, single submitter. Criteria: Ambry Variant Classification Scheme 2023. Collection method: clinical testing. Allele origin: germline.

Illumina Laboratory Services, Illumina
Classification: Likely benign for Cardiac arrhythmia, ankyrin-B-related. Last evaluated: 2017-04-27. Review status: criteria provided, single submitter. Criteria: ICSL Variant Classification Criteria 13 December 2019. Collection method: clinical testing. Allele origin: germline.
Comment: This variant was observed as part of a predisposition screen in an ostensibly healthy population. A literature search was performed for the gene, cDNA change, and amino acid change (where applicable). Publications were found based on this search. The evidence from the literature, in combination with allele frequency data from public databases where available, was sufficient to determine this variant is unlikely to cause disease. Therefore, this variant is classified as likely benign.

Biesecker Lab/Clinical Genomics Section, National Institutes of Health
Classification: Likely benign. Last evaluated: 2013-06-24. Review status: criteria provided, single submitter. Criteria: Ng et al. (Circ Cardiovasc Genet. 2013). Collection method: research. Allele origin: unknown. Observed: 1 variant allele. Study: ClinSeq.
Comment: The study set was not selected for affection status in relation to any cancer. Pathogenicity categories were based on literature curation. See Pubmed ID:23861362 for details.

Medical sequencing

Literature cited by the submitters: PubMed 23861362 (cited by Ambry Genetics and Illumina Laboratory Services, Illumina); PubMed 26164358 (cited by Ambry Genetics and Illumina Laboratory Services, Illumina).